The following is an entry in ClinVar:

ClinVar aggregate classification (germline): Benign/Likely benign. Review status: criteria provided, multiple submitters, no conflicts (2 of 4 stars). 10 submissions from 10 submitters: Benign (2); Likely benign (7). 1 of the submissions does not count toward it. Last evaluated 2026-01-25.

Conditions:
CBL-related disorder. Also called: NOONAN SYNDROME-LIKE DISORDER WITHOUT JUVENILE MYELOMONOCYTIC LEUKEMIA; CBL MUTATION-ASSOCIATED SYNDROME; CBL SYNDROME. Identifiers: Orphanet 363972, MedGen C3150803, MONDO:0013308, OMIM 613563.
Noonan syndrome and Noonan-related syndrome. Identifiers: Orphanet 98733, MedGen C5681679, MONDO:0020297.
RASopathy. Also called: rasopathies; Noonan spectrum disorder. Identifiers: Orphanet 536391, MedGen C5555857, MONDO:0021060.

Allele frequency attached by ClinVar (database versions not stated): gnomAD exomes 0.00028 and 0.00044; 1000 Genomes Project 0.00040; 1000 Genomes Project 30x 0.00062; ExAC 0.00051; gnomAD 0.00006 and 0.00014; TOPMed 0.00016.
gnomAD v4.1: 439 of 1,613,272 alleles (0.027%); highest among the groups gnomAD compares: South Asian, 0.21%; 4 homozygotes.

Submissions (10):

Labcorp Genetics (formerly Invitae), Labcorp
Classification: Likely benign for RASopathy. Last evaluated: 2026-01-25. Review status: criteria provided, single submitter. Criteria: Invitae Variant Classification Sherloc (09022015). Collection method: clinical testing. Allele origin: germline.

Laboratory of Genetics, Children's Clinical University Hospital Latvia
Classification: Benign. Last evaluated: 2025-02-16. Review status: criteria provided, single submitter. Criteria: ACMG Guidelines, 2015. Collection method: clinical testing. Allele origin: germline. Affected: yes.

Blueprint Genetics
Classification: Likely benign. Last evaluated: 2024-11-25. Review status: criteria provided, single submitter. Criteria: ACMG Guidelines, 2015. Collection method: clinical testing. Allele origin: germline.

Women's Health and Genetics/Laboratory Corporation of America, LabCorp
Classification: Likely benign. Last evaluated: 2023-05-01. Review status: criteria provided, single submitter. Criteria: LabCorp Variant Classification Summary - May 2015. Collection method: clinical testing. Allele origin: germline.

CeGaT Center for Human Genetics Tuebingen
Classification: Likely benign. Last evaluated: 2023-03-01. Review status: criteria provided, single submitter. Criteria: CeGaT Center For Human Genetics Tuebingen Variant Classification Criteria Version 2. Collection method: clinical testing. Allele origin: germline. Affected: yes. Observed: 1 variant allele.
Comment: CBL: BS1

Genome Diagnostics Laboratory, The Hospital for Sick Children
Classification: Likely benign for Noonan syndrome and Noonan-related syndrome. Last evaluated: 2020-08-07. Review status: criteria provided, single submitter. Criteria: ACMG Guidelines, 2015. Collection method: clinical testing. Allele origin: germline.

Illumina Laboratory Services, Illumina
Classification: Benign for CBL-related disorder. Last evaluated: 2018-01-13. Review status: criteria provided, single submitter. Criteria: ICSL Variant Classification Criteria 13 December 2019. Collection method: clinical testing. Allele origin: germline.
Comment: This variant was observed in the ICSL laboratory as part of a predisposition screen in an ostensibly healthy population. It had not been previously curated by ICSL or reported in the Human Gene Mutation Database (HGMD: prior to June 1st, 2018), and was therefore a candidate for classification through an automated scoring system. Utilizing variant allele frequency, disease prevalence and penetrance estimates, and inheritance mode, an automated score was calculated to assess if this variant is too frequent to cause the disease. Based on the score and internal cut-off values, a variant classified as benign is not then subjected to further curation. The score for this variant resulted in a classification of benign for this disease.

Laboratory for Molecular Medicine, Mass General Brigham Personalized Medicine
Classification: Likely benign. Last evaluated: 2017-04-10. Review status: criteria provided, single submitter. Criteria: LMM Criteria. Collection method: clinical testing. Allele origin: germline. Observed: 2 variant alleles.
Comment: p.Ser739Phe in exon 14 of CBL: This variant is not expected to have clinical sig nificance because it has been identified in 0.2% (38/16502) of South Asian chrom osomes by the Exome Aggregation Consortium (ExAC ; dbSNP rs2227986).

GeneDx
Classification: Likely benign. Last evaluated: 2016-06-08. Review status: criteria provided, single submitter. Criteria: GeneDx Variant Classification (06012015). Collection method: clinical testing. Allele origin: germline. Affected: yes.
Comment: This variant is considered likely benign or benign based on one or more of the following criteria: it is a conservative change, it occurs at a poorly conserved position in the protein, it is predicted to be benign by multiple in silico algorithms, and/or has population frequency not consistent with disease.

PreventionGenetics, part of Exact Sciences
Classification: Likely benign for CBL-related condition. Last evaluated: 2020-04-20. Review status: no assertion criteria provided. Collection method: clinical testing. Allele origin: germline. Not counted in ClinVar's aggregate classification.
Comment: This variant is classified as likely benign based on ACMG/AMP sequence variant interpretation guidelines (Richards et al. 2015 PMID: 25741868, with internal and published modifications).

NM_005188.4(CBL):c.2216C>T (p.Ser739Phe)

Gene: CBL (Cbl proto-oncogene; plus strand). Cytogenetic location: 11q23.3.
Variant type: single nucleotide variant.
Coding change: c.2216C>T on transcript NM_005188.4 (MANE Select); coding-DNA position 2216, C replaced by T.
Protein change: p.Ser739Phe; replaces serine 739 with phenylalanine.
Molecular consequence: missense variant.
Genome position (GRCh38, 1-based): chr11:119,297,446, C>T. VCF-style: chr11-119297446-C-T. GRCh37 (hg19) VCF-style: chr11-119168156-C-T.
Other names: p.S739F:TCC>TTC; short protein forms S739F.
Identifiers: ClinVar variation 40418 (VCV000040418.49), dbSNP rs2227986, ClinGen allele CA135715.